The following is an entry in ClinVar:

NM_018109.4(MTPAP):c.937G>A (p.Val313Met)

Gene: MTPAP (mitochondrial poly(A) polymerase; minus strand). Cytogenetic location: 10p11.23.
Variant type: single nucleotide variant.
Coding change: c.937G>A on transcript NM_018109.4 (MANE Select); coding-DNA position 937, G replaced by A.
Protein change: p.Val313Met; replaces valine 313 with methionine.
Molecular consequence: missense variant.
Genome position (GRCh38, 1-based): chr10:30,326,479, C>T on the plus strand (G>A on the coding strand, the complement: MTPAP is on the minus strand). VCF-style: chr10-30326479-C-T. GRCh37 (hg19) VCF-style: chr10-30615408-C-T.
Other names: short protein forms V313M.
Identifiers: ClinVar variation 3391685 (VCV003391685.1).

ClinVar aggregate classification (germline): Uncertain significance (1 of 4 stars; one submission).

Submission:

GeneDx
Classification: Uncertain significance. Last evaluated: 2024-06-21. Review status: criteria provided, single submitter. Criteria: GeneDx Variant Classification Process June 2021. Collection method: clinical testing. Allele origin: germline. Affected: yes.
Comment: Not observed at significant frequency in large population cohorts (gnomAD); In silico analysis indicates that this missense variant does not alter protein structure/function; Has not been previously published as pathogenic or benign to our knowledge